The following is an entry in ClinVar:

ClinVar aggregate classification (germline): Benign. Review status: criteria provided, multiple submitters, no conflicts (2 of 4 stars). 2 submissions from 2 submitters: Benign (2). Last evaluated 2018-06-18.

Allele frequency attached by ClinVar (database versions not stated): TOPMed 0.65562; gnomAD 0.66544 and 0.67933; 1000 Genomes Project 30x 0.69222; 1000 Genomes Project 0.70887; gnomAD exomes 0.79334.
gnomAD v4.1: 110,634 of 161,314 alleles (69%); highest among the groups gnomAD compares: East Asian, 97%; 41,339 homozygotes.

Submissions (2):

GeneDx
Classification: Benign. Last evaluated: 2018-06-18. Review status: criteria provided, single submitter. Criteria: GeneDx Variant Classification (06012015). Collection method: clinical testing. Allele origin: germline. Affected: yes.
Comment: This variant is considered likely benign or benign based on one or more of the following criteria: it is a conservative change, it occurs at a poorly conserved position in the protein, it is predicted to be benign by multiple in silico algorithms, and/or has population frequency not consistent with disease.

Breakthrough Genomics
Classification: Benign. Review status: criteria provided, single submitter. Criteria: ACMG Guidelines, 2015. Collection method: not provided. Allele origin: germline. Inheritance: Unknown mechanism. Affected: yes.

NM_002907.4(RECQL):c.-349C>T

Gene: RECQL (RecQ like helicase; minus strand). Cytogenetic location: 12p12.1.
Variant type: single nucleotide variant.
Coding change: c.-349C>T on transcript NM_002907.4 (MANE Select); 349 bases upstream of the start codon, C replaced by T.
Molecular consequence: 5 prime UTR variant.
Genome position (GRCh38, 1-based): chr12:21,501,473, G>A on the plus strand (C>T on the coding strand, the complement: RECQL is on the minus strand). VCF-style: chr12-21501473-G-A. GRCh37 (hg19) VCF-style: chr12-21654407-G-A.
Other names: c.-152C>T (NM_032941.3).
Identifiers: ClinVar variation 679678 (VCV000679678.2), dbSNP rs1061627, ClinGen allele CA13615896.